The following is an entry in ClinVar:

ClinVar aggregate classification (germline): Uncertain significance (1 of 4 stars; one submission).

Submission:

Ambry Genetics
Classification: Uncertain significance. Last evaluated: 2026-03-11. Review status: criteria provided, single submitter. Criteria: Ambry Variant Classification Scheme 2023. Collection method: clinical testing. Allele origin: germline.
Comment: The p.S1021R variant (also known as c.3063C>A), located in coding exon 11 of the WNK2 gene, results from a C to A substitution at nucleotide position 3063. The serine at codon 1021 is replaced by arginine, an amino acid with dissimilar properties. This amino acid position is conserved. In addition, this alteration is predicted to be tolerated by in silico analysis. Based on the available evidence, the clinical significance of this variant remains unclear.

NM_006648.4(WNK2):c.3063C>A (p.Ser1021Arg)

Gene: WNK2 (WNK lysine deficient protein kinase 2; plus strand). Cytogenetic location: 9q22.31.
Variant type: single nucleotide variant.
Coding change: c.3063C>A on transcript NM_006648.4 (MANE Select); coding-DNA position 3063, C replaced by A.
Protein change: p.Ser1021Arg; replaces serine 1021 with arginine.
Molecular consequence: missense variant.
Genome position (GRCh38, 1-based): chr9:93,259,611, C>A. VCF-style: chr9-93259611-C-A. GRCh37 (hg19) VCF-style: chr9-96021893-C-A.
Other names: c.3063C>A, p.Ser1021Arg (NM_001282394.3); short protein forms S1021R.
Identifiers: ClinVar variation 4826252 (VCV004826252.1).